The following is an entry in ClinVar:

ClinVar aggregate classification (germline): Likely pathogenic. Review status: criteria provided, multiple submitters, no conflicts (2 of 4 stars). 3 submissions from 3 submitters: Likely pathogenic (3). Last evaluated 2026-02-23.

Conditions:
Autosomal recessive limb-girdle muscular dystrophy type 2J (LGMDR10). Also called: Limb-girdle muscular dystrophy, type 2J; MUSCULAR DYSTROPHY, LIMB-GIRDLE, AUTOSOMAL RECESSIVE 10. Identifiers: Orphanet 140922, MedGen C1837342, MONDO:0012127, OMIM 608807.
Dilated cardiomyopathy 1G (CMD1G). Identifiers: Orphanet 154, MedGen C1858763, MONDO:0011400, OMIM 604145.
Cardiovascular phenotype. Identifiers: MedGen CN230736.

Allele frequency attached by ClinVar (database versions not stated): TOPMed below 0.00001.

Submissions (3):

GeneDx
Classification: Likely pathogenic. Last evaluated: 2026-02-23. Review status: criteria provided, single submitter. Criteria: GeneDx Variant Classification Process June 2021. Collection method: clinical testing. Allele origin: germline.
Comment: Frameshift variant predicted to result in protein truncation or nonsense mediated decay in a gene for which loss of function is a known mechanism of disease; Identified in patients with DCM in published literature (PMID: 35653365, 40155426); Not observed at significant frequency in large population cohorts (gnomAD); Located in the A-band, a region of TTN for which truncating variants are significantly associated with autosomal dominant cardiomyopathy and also with autosomal recessive skeletal myopathies (PMID: 22335739, 32778822); This variant is associated with the following publications: (PMID: 22335739, 32778822, 35653365, 40155426)

Labcorp Genetics (formerly Invitae), Labcorp
Classification: Likely pathogenic for Dilated cardiomyopathy 1G; Autosomal recessive limb-girdle muscular dystrophy type 2J. Last evaluated: 2022-02-02. Review status: criteria provided, single submitter. Criteria: Invitae Variant Classification Sherloc (09022015). Collection method: clinical testing. Allele origin: germline.
Comment: In summary, the currently available evidence indicates that the variant is pathogenic, but additional data are needed to prove that conclusively. Therefore, this variant has been classified as Likely Pathogenic. This variant is located in the A band of TTN (PMID: 25589632). Truncating variants in this region are significantly overrepresented in patients affected with dilated cardiomyopathy (PMID: 25589632). Truncating variants in this region have also been reported in individuals affected with autosomal recessive centronuclear myopathy (PMID: 23975875). ClinVar contains an entry for this variant (Variation ID: 518501). This variant has not been reported in the literature in individuals affected with TTN-related conditions. This variant is not present in population databases (gnomAD no frequency). This sequence change creates a premature translational stop signal (p.Glu27042Aspfs*40) in the TTN gene. While this is not anticipated to result in nonsense mediated decay, it is expected to create a truncated TTN protein.

Ambry Genetics
Classification: Likely pathogenic for Cardiovascular phenotype. Last evaluated: 2016-01-28. Review status: criteria provided, single submitter. Criteria: Ambry Variant Classification Scheme 2023. Collection method: clinical testing. Allele origin: germline.
Comment: The c.53931delG variant, located in coding exon 153 of the TTN gene, results from a deletion of one nucleotide at nucleotide position 53931, causing a translational frameshift with a predicted alternate stop codon (p.E17977Dfs*40) located in the A-band. This variant was not reported in population based cohorts in the following databases: Database of Single Nucleotide Polymorphisms (dbSNP), NHLBI Exome Sequencing Project (ESP), and 1000 Genomes Project. In the ESP, this variant was not observed in 5971 samples (11942 alleles) with coverage at this position. Truncating alterations in TTN were observed at a significantly higher frequency among patients with dilated cardiomyopathy (DCM), or 54/203 (27%), compared to patients with hypertrophic cardiomyopathy (3 of 231, 1%, P=3x10-16) and healthy controls (7 of 249, 3%, P=9x10-14). Among families with multiple relatives with DCM, studies also provided strong data demonstrating segregation of TTN truncations with disease (Herman DS et al. N Engl J Med. 2012;366(7):619-28; Pugh TJ et al. Genet Med. 2014;16(8):601-8). The functional mechanism of TTN truncations leading to DCM is not well understood; however, frameshifts are typically deleterious in nature (ACMG Standards and guidelines for the interpretation of sequence variants. Genet Med. 2015;17(5):405-24). As such, the c.53931delG variant is classified as likely pathogenic.

Literature cited by the submitters: PubMed 25589632 (cited by Labcorp Genetics (formerly Invitae), Labcorp); PubMed 23975875 (cited by Labcorp Genetics (formerly Invitae), Labcorp).

NM_001267550.2(TTN):c.81126del (p.Glu27042fs)

Genes: TTN-AS1 (TTN antisense RNA 1; plus strand), TTN (titin; minus strand). Cytogenetic location: 2q31.2.
Variant type: Deletion.
Coding change: c.81126del on transcript NM_001267550.2 (MANE Select); coding-DNA position 81126, one base deleted (G; older notation c.81126delG).
Protein change: p.Glu27042fs; shifts the reading frame from glutamic acid 27042.
Molecular consequence: frameshift variant.
Genome position (GRCh38, 1-based): chr2:178,565,006, C deleted on the plus strand (G on the coding strand, the reverse complement: TTN is on the minus strand). VCF-style (leftmost placement, unchanged base first): chr2-178565005-AC-A. GRCh37 (hg19) VCF-style: chr2-179429732-AC-A.
Other names: c.53931delG (NM_003319.4); c.76203del, p.Glu25401fs (NM_001256850.1); c.53931del, p.Glu17977fs (NM_003319.4); c.73422del, p.Glu24474fs (NM_133378.4); c.54306del, p.Glu18102fs (NM_133432.3); c.54507del, p.Glu18169fs (NM_133437.4); c.81126del (NM_001267550.1); short protein forms E24474fs, E18102fs, E17977fs, E25401fs, E18169fs, E27042fs.
Identifiers: ClinVar variation 518501 (VCV000518501.11), dbSNP rs1553579429, ClinGen allele CA658796021.